The following is an entry in ClinVar:

ClinVar aggregate classification (germline): Likely benign. Review status: criteria provided, multiple submitters, no conflicts (2 of 4 stars). 2 submissions from 2 submitters: Likely benign (2). Last evaluated 2023-07-19.

gnomAD v4.1: 5 of 1,613,548 alleles (0.00031%); highest among the groups gnomAD compares: Non-Finnish European, 0.00042%; no homozygotes.

Submissions (2):

Labcorp Genetics (formerly Invitae), Labcorp
Classification: Likely benign. Last evaluated: 2023-07-19. Review status: criteria provided, single submitter. Criteria: Invitae Variant Classification Sherloc (09022015). Collection method: clinical testing. Allele origin: germline.

Laboratory for Molecular Medicine, Mass General Brigham Personalized Medicine
Classification: Likely benign. Last evaluated: 2013-12-15. Review status: criteria provided, single submitter. Criteria: LMM Criteria. Collection method: clinical testing. Allele origin: germline. Observed: 1 variant allele.
Comment: 1104+12G>C in Intron 11 of OTOA: This variant is not expected to have clinical significance because it is not located within the splice consensus sequence and is not predicted to alter splicing.

NM_144672.4(OTOA):c.1104+12G>C

Gene: OTOA (otoancorin). Cytogenetic location: 16p12.2.
Variant type: single nucleotide variant.
Coding change: c.1104+12G>C on transcript NM_144672.4 (MANE Select); 12 bases into the intron after coding-DNA position 1104, G replaced by C.
Molecular consequence: intron variant.
Genome position (GRCh38, 1-based): chr16:21,705,304, G>C. VCF-style: chr16-21705304-G-C. GRCh37 (hg19) VCF-style: chr16-21716625-G-C.
Other names: c.867+12G>C (NM_001161683.2); c.132+12G>C (NM_170664.3).
Identifiers: ClinVar variation 164821 (VCV000164821.8), dbSNP rs143853515, ClinGen allele CA177528.